The following is an entry in ClinVar:

NM_000059.4(BRCA2):c.6038A>G (p.Lys2013Arg)

Gene: BRCA2 (BRCA2 DNA repair associated; plus strand). Cytogenetic location: 13q13.1.
Variant type: single nucleotide variant.
Coding change: c.6038A>G on transcript NM_000059.4 (MANE Select); coding-DNA position 6038, A replaced by G.
Protein change: p.Lys2013Arg; replaces lysine 2013 with arginine.
Molecular consequence: missense variant.
Genome position (GRCh38, 1-based): chr13:32,340,393, A>G. VCF-style: chr13-32340393-A-G. GRCh37 (hg19) VCF-style: chr13-32914530-A-G.
Other names: short protein forms K2013R.
Identifiers: ClinVar variation 233718 (VCV000233718.12), dbSNP rs876660593, ClinGen allele CA10579676.

ClinVar aggregate classification (germline): Conflicting classifications of pathogenicity. Review status: criteria provided, conflicting classifications (1 of 4 stars). 3 submissions from 3 submitters: Uncertain significance (1); Likely benign (2). Last evaluated 2023-03-23.

Conditions:
Hereditary breast ovarian cancer syndrome. Also called: Hereditary breast and ovarian cancer syndrome; BRCA1- and BRCA2-Associated Hereditary Breast and Ovarian Cancer; Breast and ovarian cancer; Hereditary breast and/or ovarian cancer syndrome; Hereditary breast and ovarian cancer; Hereditary breast and ovarian cancer syndrome (HBOC). Identifiers: Orphanet 145, MedGen C0677776, MeSH D061325, MONDO:0003582. Disease mechanism: loss of function.
Hereditary cancer-predisposing syndrome. Also called: Neoplastic Syndromes, Hereditary; Tumor predisposition; Hereditary Cancer Syndrome; Hereditary neoplastic syndrome. Identifiers: Orphanet 140162, MedGen C0027672, MeSH D009386, MONDO:0015356.

Submissions (3):

University of Washington Department of Laboratory Medicine, University of Washington
Classification: Likely benign for Hereditary cancer-predisposing syndrome. Last evaluated: 2023-03-23. Review status: criteria provided, single submitter. Criteria: Dines et al. (Genet Med. 2020). Collection method: curation. Allele origin: germline.
Comment: Missense variant in a coldspot region where missense variants are very unlikely to be pathogenic (PMID:31911673).

BRCA2 exon 11 coldspot. Reclassification based on statistical prior probability.

Labcorp Genetics (formerly Invitae), Labcorp
Classification: Uncertain significance for Hereditary breast ovarian cancer syndrome. Last evaluated: 2022-09-04. Review status: criteria provided, single submitter. Criteria: Invitae Variant Classification Sherloc (09022015). Collection method: clinical testing. Allele origin: germline.
Comment: In summary, the available evidence is currently insufficient to determine the role of this variant in disease. Therefore, it has been classified as a Variant of Uncertain Significance. Advanced modeling of protein sequence and biophysical properties (such as structural, functional, and spatial information, amino acid conservation, physicochemical variation, residue mobility, and thermodynamic stability) performed at Invitae indicates that this missense variant is not expected to disrupt BRCA2 protein function. ClinVar contains an entry for this variant (Variation ID: 233718). This variant has not been reported in the literature in individuals affected with BRCA2-related conditions. This variant is not present in population databases (gnomAD no frequency). This sequence change replaces lysine, which is basic and polar, with arginine, which is basic and polar, at codon 2013 of the BRCA2 protein (p.Lys2013Arg).

Ambry Genetics
Classification: Likely benign for Hereditary cancer-predisposing syndrome. Last evaluated: 2015-09-04. Review status: criteria provided, single submitter. Criteria: Ambry Variant Classification Scheme 2023. Collection method: clinical testing. Allele origin: germline.